The following is an entry in ClinVar:

ClinVar aggregate classification (germline): Uncertain significance (1 of 4 stars; one submission).

gnomAD v4.1: 16 of 1,614,064 alleles (0.00099%); highest among the groups gnomAD compares: African/African-American, 0.0053%; no homozygotes.

Submission:

Labcorp Genetics (formerly Invitae), Labcorp
Classification: Uncertain significance. Last evaluated: 2025-07-20. Review status: criteria provided, single submitter. Criteria: Invitae Variant Classification Sherloc (09022015). Collection method: clinical testing. Allele origin: germline.
Comment: This sequence change replaces isoleucine, which is neutral and non-polar, with valine, which is neutral and non-polar, at codon 232 of the NFE2L2 protein (p.Ile232Val). This variant is present in population databases (rs369687249, gnomAD 0.009%). This variant has not been reported in the literature in individuals affected with NFE2L2-related conditions. Invitae Evidence Modeling of protein sequence and biophysical properties (such as structural, functional, and spatial information, amino acid conservation, physicochemical variation, residue mobility, and thermodynamic stability) indicates that this missense variant is not expected to disrupt NFE2L2 protein function with a negative predictive value of 80%. In summary, the available evidence is currently insufficient to determine the role of this variant in disease. Therefore, it has been classified as a Variant of Uncertain Significance.

NM_006164.5(NFE2L2):c.694A>G (p.Ile232Val)

Gene: NFE2L2 (NFE2 like bZIP transcription factor 2; minus strand). Cytogenetic location: 2q31.2.
Variant type: single nucleotide variant.
Coding change: c.694A>G on transcript NM_006164.5 (MANE Select); coding-DNA position 694, A replaced by G.
Protein change: p.Ile232Val; replaces isoleucine 232 with valine.
Molecular consequence: missense variant.
Genome position (GRCh38, 1-based): chr2:177,231,909, T>C on the plus strand (A>G on the coding strand, the complement: NFE2L2 is on the minus strand). VCF-style: chr2-177231909-T-C. GRCh37 (hg19) VCF-style: chr2-178096637-T-C.
Other names: c.646A>G, p.Ile216Val (NM_001145412.3, NM_001313900.1, NM_001313901.1); c.625A>G, p.Ile209Val (NM_001145413.3); c.604A>G, p.Ile202Val (NM_001313902.2); c.475A>G, p.Ile159Val (NM_001313903.2); c.394A>G, p.Ile132Val (NM_001313904.1); short protein forms I209V, I132V, I159V, I202V, I232V, I216V.
Identifiers: ClinVar variation 4750836 (VCV004750836.1).